The following is an entry in ClinVar:

ClinVar aggregate classification (germline): Uncertain significance (1 of 4 stars; one submission).

Allele frequency attached by ClinVar (database versions not stated): gnomAD 0.00001; ExAC 0.00002; TOPMed 0.00002; gnomAD exomes 0.00003.
gnomAD v4.1: 20 of 1,614,004 alleles (0.0012%); highest among the groups gnomAD compares: South Asian, 0.0066%; no homozygotes.

Submissions (2):

Labcorp Genetics (formerly Invitae), Labcorp
Classification: Uncertain significance. Last evaluated: 2022-05-27. Review status: criteria provided, single submitter. Criteria: Invitae Variant Classification Sherloc (09022015). Collection method: clinical testing. Allele origin: germline.
Comment: In summary, the available evidence is currently insufficient to determine the role of this variant in disease. Therefore, it has been classified as a Variant of Uncertain Significance. Algorithms developed to predict the effect of sequence changes on RNA splicing suggest that this variant may create or strengthen a splice site. Algorithms developed to predict the effect of missense changes on protein structure and function are either unavailable or do not agree on the potential impact of this missense change (SIFT: "Tolerated"; PolyPhen-2: "Possibly Damaging"; Align-GVGD: "Class C0"). This variant has not been reported in the literature in individuals affected with SPART-related conditions. This variant is present in population databases (rs771048650, gnomAD 0.006%). This sequence change replaces serine, which is neutral and polar, with glycine, which is neutral and non-polar, at codon 544 of the SPART protein (p.Ser544Gly).

Dr. Peter K. Rogan Lab, Western University
No classification provided (evidence only). Condition: Melanoma. Review status: no classification provided. Collection method: in vitro. Allele origin: not applicable. Functional consequence: cryptic splice site, retained intron. Not counted in ClinVar's aggregate classification.

NM_015087.5(SPART):c.1630A>G (p.Ser544Gly)

Gene: SPART (spartin; minus strand). Cytogenetic location: 13q13.3.
Variant type: single nucleotide variant.
Coding change: c.1630A>G on transcript NM_015087.5 (MANE Select); coding-DNA position 1630, A replaced by G.
Protein change: p.Ser544Gly; replaces serine 544 with glycine.
Molecular consequence: missense variant.
Genome position (GRCh38, 1-based): chr13:36,312,331, T>C on the plus strand (A>G on the coding strand, the complement: SPART is on the minus strand). VCF-style: chr13-36312331-T-C. GRCh37 (hg19) VCF-style: chr13-36886468-T-C.
Other names: c.1630A>G, p.Ser544Gly (NM_001142294.2, NM_001142295.2, NM_001142296.2); short protein forms S544G.
Identifiers: ClinVar variation 1905130 (VCV001905130.6), dbSNP rs771048650, ClinGen allele CA6949346.